The following is an entry in ClinVar:

ClinVar aggregate classification (germline): Likely benign (1 of 4 stars; one submission).

Allele frequency attached by ClinVar (database versions not stated): gnomAD 0.00001; TOPMed 0.00001.
gnomAD v4.1: 1 of 496,320 alleles (0.0002%); highest among the groups gnomAD compares: Non-Finnish European, 0.00036%; no homozygotes.

Submission:

GeneDx
Classification: Likely benign. Last evaluated: 2013-03-29. Review status: criteria provided, single submitter. Criteria: GeneDx Variant Classification (06012015). Collection method: clinical testing. Allele origin: germline. Affected: yes.
Comment: This variant is considered likely benign or benign based on one or more of the following criteria: it is a conservative change, it occurs at a poorly conserved position in the protein, it is predicted to be benign by multiple in silico algorithms, and/or has population frequency not consistent with disease.

NM_007254.4(PNKP):c.-32G>A

Gene: PNKP (polynucleotide kinase 3'-phosphatase; minus strand). Cytogenetic location: 19q13.33.
Variant type: single nucleotide variant.
Coding change: c.-32G>A on transcript NM_007254.4 (MANE Select); 32 bases upstream of the start codon, G replaced by A.
Molecular consequence: 5 prime UTR variant.
Genome position (GRCh38, 1-based): chr19:49,867,487, C>T on the plus strand (G>A on the coding strand, the complement: PNKP is on the minus strand). VCF-style: chr19-49867487-C-T. GRCh37 (hg19) VCF-style: chr19-50370744-C-T.
Identifiers: ClinVar variation 206373 (VCV000206373.1), dbSNP rs796052845, ClinGen allele CA316432.